The following is an entry in ClinVar:

NM_153700.2(STRC):c.4040C>A (p.Ser1347Tyr)

Gene: STRC (stereocilin; minus strand). Cytogenetic location: 15q15.3.
Variant type: single nucleotide variant.
Coding change: c.4040C>A on transcript NM_153700.2 (MANE Select); coding-DNA position 4040, C replaced by A.
Protein change: p.Ser1347Tyr; replaces serine 1347 with tyrosine.
Molecular consequence: missense variant.
Genome position (GRCh38, 1-based): chr15:43,604,737, G>T on the plus strand (C>A on the coding strand, the complement: STRC is on the minus strand). VCF-style: chr15-43604737-G-T. GRCh37 (hg19) VCF-style: chr15-43896935-G-T.
Other names: short protein forms S1347Y.
Identifiers: ClinVar variation 4978101 (VCV004978101.1).

ClinVar aggregate classification (germline): Uncertain significance (1 of 4 stars; one submission).

Conditions:
STRC-related disorder. Also called: STRC-related condition.

gnomAD v4.1: 7 of 1,613,540 alleles (0.00043%); highest among the groups gnomAD compares: African/African-American, 0.0094%; no homozygotes.

Submission:

PreventionGenetics, part of Exact Sciences
Classification: Uncertain significance for STRC-related condition. Last evaluated: 2026-09-09. Review status: criteria provided, single submitter. Criteria: ACMG Guidelines, 2015. Collection method: clinical testing. Allele origin: germline.
Comment: The STRC c.4040C>A variant is predicted to result in the amino acid substitution p.Ser1347Tyr. To our knowledge, this variant has not been reported in the literature. This variant is reported in 0.012% of alleles in individuals of African descent in gnomAD. At this time, the clinical significance of this variant is uncertain due to the absence of conclusive functional and genetic evidence.